The following is an entry in ClinVar:

NM_000071.3(CBS):c.1223+13G>A

Gene: CBS (cystathionine beta-synthase; minus strand). Cytogenetic location: 21q22.3.
Variant type: single nucleotide variant.
Coding change: c.1223+13G>A on transcript NM_000071.3 (MANE Select); 13 bases into the intron after coding-DNA position 1223, G replaced by A.
Molecular consequence: intron variant.
Genome position (GRCh38, 1-based): chr21:43,059,213, C>T on the plus strand (G>A on the coding strand, the complement: CBS is on the minus strand). VCF-style: chr21-43059213-C-T. GRCh37 (hg19) VCF-style: chr21-44479323-C-T.
Other names: c.1223+13G>A (NM_001320298.2, NM_001178009.3, NM_001178008.3); c.908+13G>A (NM_001321072.1).
Identifiers: ClinVar variation 377630 (VCV000377630.20), dbSNP rs533660793, ClinGen allele CA16608556.
Genomic context (GRCh38, chr21:43,059,213, plus strand): 5'-GGGGAGTGCTCTCCTGCCTGTCACACTGGGCAGGGCCAGCACAGGCAGCGGGTCTCCGGC[C>T]GAGCGGTCTTACCAGGGCTTCTTCTCCGTGAGGTCCTCCTCCTTCAGAAAGCCCTTCTGC-3'

ClinVar aggregate classification (germline): Benign/Likely benign. Review status: criteria provided, multiple submitters, no conflicts (2 of 4 stars). 5 submissions from 5 submitters: Benign (3); Likely benign (2). Last evaluated 2026-01-24.

Conditions:
HYPERHOMOCYSTEINEMIA, THROMBOTIC, CBS-RELATED. Identifiers: MedGen C3150344, OMIM 236200.

Allele frequency attached by ClinVar (database versions not stated): ExAC 0.00027; gnomAD exomes 0.00028; gnomAD 0.00035; 1000 Genomes Project 0.00080.

Submissions (5):

Labcorp Genetics (formerly Invitae), Labcorp
Classification: Benign for HYPERHOMOCYSTEINEMIA, THROMBOTIC, CBS-RELATED. Last evaluated: 2026-01-24. Review status: criteria provided, single submitter. Criteria: Invitae Variant Classification Sherloc (09022015). Collection method: clinical testing. Allele origin: germline.

Women's Health and Genetics/Laboratory Corporation of America, LabCorp
Classification: Likely benign. Last evaluated: 2024-12-11. Review status: criteria provided, single submitter. Criteria: LabCorp Variant Classification Summary - May 2015. Collection method: clinical testing. Allele origin: germline.

Blueprint Genetics
Classification: Likely benign. Last evaluated: 2024-11-14. Review status: criteria provided, single submitter. Criteria: ACMG Guidelines, 2015. Collection method: clinical testing. Allele origin: germline.

ARUP Laboratories, Molecular Genetics and Genomics, ARUP Laboratories
Classification: Benign. Last evaluated: 2021-04-09. Review status: criteria provided, single submitter. Criteria: ARUP Molecular Germline Variant Investigation Process 2021. Collection method: clinical testing. Allele origin: germline.

GeneDx
Classification: Benign. Last evaluated: 2016-02-18. Review status: criteria provided, single submitter. Criteria: GeneDx Variant Classification (06012015). Collection method: clinical testing. Allele origin: germline. Affected: yes.
Comment: This variant is considered likely benign or benign based on one or more of the following criteria: it is a conservative change, it occurs at a poorly conserved position in the protein, it is predicted to be benign by multiple in silico algorithms, and/or has population frequency not consistent with disease.